The following is an entry in ClinVar:

ClinVar aggregate classification (germline): Conflicting classifications of pathogenicity. Review status: criteria provided, conflicting classifications (1 of 4 stars). 2 submissions from 2 submitters: Uncertain significance (1); Likely benign (1). Last evaluated 2026-07-10.

Conditions:
Congenital contractural arachnodactyly (CCA). Also called: BEALS SYNDROME; Arthrogryposis, distal, type 9; Beals-Hecht syndrome. Identifiers: Orphanet 115, MedGen C0220668, MONDO:0007363, OMIM 121050.
Familial thoracic aortic aneurysm and aortic dissection (TAAD). Also called: Thoracic aortic aneurysms and dissections. Identifiers: Orphanet 91387, MedGen C4707243, MONDO:0019625.

gnomAD v4.1: 4 of 1,613,854 alleles (0.00025%); highest among the groups gnomAD compares: Non-Finnish European, 0.00034%; no homozygotes.

Submissions (2):

Ambry Genetics
Classification: Uncertain significance for Familial thoracic aortic aneurysm and aortic dissection. Last evaluated: 2026-07-10. Review status: criteria provided, single submitter. Criteria: Ambry Variant Classification Scheme 2023. Collection method: clinical testing. Allele origin: germline.
Comment: The p.G2309V variant (also known as c.6926G>T), located in coding exon 55 of the FBN2 gene, results from a G to T substitution at nucleotide position 6926. The glycine at codon 2309 is replaced by valine, an amino acid with dissimilar properties. This amino acid position is conserved. In addition, this alteration is predicted to be deleterious by in silico analysis. Based on the available evidence, the clinical significance of this variant remains unclear.

Labcorp Genetics (formerly Invitae), Labcorp
Classification: Likely benign for Congenital contractural arachnodactyly. Last evaluated: 2024-03-24. Review status: criteria provided, single submitter. Criteria: Invitae Variant Classification Sherloc (09022015). Collection method: clinical testing. Allele origin: germline.

NM_001999.4(FBN2):c.6926G>T (p.Gly2309Val)

Gene: FBN2 (fibrillin 2; minus strand). Cytogenetic location: 5q23.3.
Variant type: single nucleotide variant.
Coding change: c.6926G>T on transcript NM_001999.4 (MANE Select); coding-DNA position 6926, G replaced by T.
Protein change: p.Gly2309Val; replaces glycine 2309 with valine.
Molecular consequence: missense variant.
Genome position (GRCh38, 1-based): chr5:128,286,804, C>A on the plus strand (G>T on the coding strand, the complement: FBN2 is on the minus strand). VCF-style: chr5-128286804-C-A. GRCh37 (hg19) VCF-style: chr5-127622496-C-A.
Other names: c.6926G>T (NM_001999.3); short protein forms G2309V.
Identifiers: ClinVar variation 3603983 (VCV003603983.3).